The following is an entry in ClinVar:

ClinVar aggregate classification (germline): Pathogenic (1 of 4 stars; one submission).

Conditions:
Ataxia-telangiectasia syndrome (AT). Also called: ATAXIA-TELANGIECTASIA, COMPLEMENTATION GROUP A; ATAXIA-TELANGIECTASIA, FRESNO VARIANT; Ataxia-telangiectasia; Ataxia-telangiectasia, complementation group D; Ataxia-telangiectasia, complementation group E; AT, COMPLEMENTATION GROUP C. Identifiers: Orphanet 100, MedGen C0004135, MONDO:0008840, OMIM 208900.

Submission:

Labcorp Genetics (formerly Invitae), Labcorp
Classification: Pathogenic for Ataxia-telangiectasia syndrome. Last evaluated: 2024-12-26. Review status: criteria provided, single submitter. Criteria: Invitae Variant Classification Sherloc (09022015). Collection method: clinical testing. Allele origin: germline.
Comment: This sequence change creates a premature translational stop signal (p.Leu951*) in the ATM gene. It is expected to result in an absent or disrupted protein product. Loss-of-function variants in ATM are known to be pathogenic (PMID: 23807571, 25614872). This variant is not present in population databases (gnomAD no frequency). This variant has not been reported in the literature in individuals affected with ATM-related conditions. For these reasons, this variant has been classified as Pathogenic.

Literature cited by the submitters: PubMed 23807571; PubMed 25614872.

NM_000051.4(ATM):c.2852del (p.Leu950_Leu951insTer)

Gene: ATM (ATM serine/threonine kinase; plus strand). Cytogenetic location: 11q22.3.
Variant type: Deletion.
Coding change: c.2852del on transcript NM_000051.4 (MANE Select); coding-DNA position 2852, one base deleted (T; older notation c.2852delT).
Protein change: p.Leu950_Leu951insTer.
Molecular consequence: nonsense.
Genome position (GRCh38, 1-based): chr11:108,271,077, T deleted; the last of 4 consecutive T bases (chr11:108,271,074-108,271,077); deleting any one gives the same sequence. VCF-style (leftmost placement, unchanged base first): chr11-108271073-CT-C. GRCh37 (hg19) VCF-style: chr11-108141800-CT-C.
Other names: c.2852del, p.Leu950_Leu951insTer (NM_001351834.2).
Identifiers: ClinVar variation 3728087 (VCV003728087.2).